The following is an entry in ClinVar:

NM_001734.5(C1S):c.1715G>T (p.Arg572Leu)

Gene: C1S (complement C1s; plus strand). Cytogenetic location: 12p13.31.
Variant type: single nucleotide variant.
Coding change: c.1715G>T on transcript NM_001734.5 (MANE Select); coding-DNA position 1715, G replaced by T.
Protein change: p.Arg572Leu; replaces arginine 572 with leucine.
Molecular consequence: missense variant.
Genome position (GRCh38, 1-based): chr12:7,070,299, G>T. VCF-style: chr12-7070299-G-T. GRCh37 (hg19) VCF-style: chr12-7177603-G-T.
Other names: c.1214G>T, p.Arg405Leu (NM_001346850.2); c.1715G>T, p.Arg572Leu (NM_201442.4); short protein forms R572L, R405L.
Identifiers: ClinVar variation 3718331 (VCV003718331.2).

ClinVar aggregate classification (germline): Uncertain significance (1 of 4 stars; one submission).

Submission:

Labcorp Genetics (formerly Invitae), Labcorp
Classification: Uncertain significance. Last evaluated: 2024-11-22. Review status: criteria provided, single submitter. Criteria: Invitae Variant Classification Sherloc (09022015). Collection method: clinical testing. Allele origin: germline.
Comment: This sequence change replaces arginine, which is basic and polar, with leucine, which is neutral and non-polar, at codon 572 of the C1S protein (p.Arg572Leu). This variant is not present in population databases (gnomAD no frequency). This variant has not been reported in the literature in individuals affected with C1S-related conditions. Invitae Evidence Modeling of protein sequence and biophysical properties (such as structural, functional, and spatial information, amino acid conservation, physicochemical variation, residue mobility, and thermodynamic stability) indicates that this missense variant is not expected to disrupt C1S protein function with a negative predictive value of 80%. In summary, the available evidence is currently insufficient to determine the role of this variant in disease. Therefore, it has been classified as a Variant of Uncertain Significance.